The following is an entry in ClinVar:

NM_001999.4(FBN2):c.8596G>A (p.Gly2866Ser)

Gene: FBN2 (fibrillin 2; minus strand). Cytogenetic location: 5q23.3.
Variant type: single nucleotide variant.
Coding change: c.8596G>A on transcript NM_001999.4 (MANE Select); coding-DNA position 8596, G replaced by A.
Protein change: p.Gly2866Ser; replaces glycine 2866 with serine.
Molecular consequence: missense variant.
Genome position (GRCh38, 1-based): chr5:128,259,598, C>T on the plus strand (G>A on the coding strand, the complement: FBN2 is on the minus strand). VCF-style: chr5-128259598-C-T. GRCh37 (hg19) VCF-style: chr5-127595290-C-T.
Other names: short protein forms G2866S.
Identifiers: ClinVar variation 634470 (VCV000634470.16), dbSNP rs752201545, ClinGen allele CA3393778.

ClinVar aggregate classification (germline): Conflicting classifications of pathogenicity. Review status: criteria provided, conflicting classifications (1 of 4 stars). 5 submissions from 4 submitters: Uncertain significance (4); Likely benign (1). Last evaluated 2025-10-21.

Conditions:
Macular degeneration, early-onset (EOMD). Identifiers: MedGen C4015286, MONDO:0014501, OMIM 616118.
Familial thoracic aortic aneurysm and aortic dissection (TAAD). Also called: Thoracic aortic aneurysms and dissections. Identifiers: Orphanet 91387, MedGen C4707243, MONDO:0019625.
Congenital contractural arachnodactyly (CCA). Also called: Arthrogryposis, distal, type 9; BEALS SYNDROME; Beals-Hecht syndrome. Identifiers: Orphanet 115, MedGen C0220668, MONDO:0007363, OMIM 121050.

Allele frequency attached by ClinVar (database versions not stated): gnomAD 0.00003; TOPMed 0.00003; gnomAD exomes 0.00006; ExAC 0.00007.
gnomAD v4.1: 96 of 1,613,880 alleles (0.0059%); highest among the groups gnomAD compares: South Asian, 0.035%; no homozygotes.

Submissions (5):

Labcorp Genetics (formerly Invitae), Labcorp
Classification: Likely benign for Congenital contractural arachnodactyly. Last evaluated: 2025-10-21. Review status: criteria provided, single submitter. Criteria: Invitae Variant Classification Sherloc (09022015). Collection method: clinical testing. Allele origin: germline.

Ambry Genetics
Classification: Uncertain significance for Familial thoracic aortic aneurysm and aortic dissection. Last evaluated: 2024-03-12. Review status: criteria provided, single submitter. Criteria: Ambry Variant Classification Scheme 2023. Collection method: clinical testing. Allele origin: germline.
Comment: The p.G2866S variant (also known as c.8596G>A), located in coding exon 65 of the FBN2 gene, results from a G to A substitution at nucleotide position 8596. The glycine at codon 2866 is replaced by serine, an amino acid with similar properties. This amino acid position is highly conserved in available vertebrate species. In addition, this alteration is predicted to be tolerated by in silico analysis. Since supporting evidence is limited at this time, the clinical significance of this alteration remains unclear.

GeneDx
Classification: Uncertain significance. Last evaluated: 2020-04-22. Review status: criteria provided, single submitter. Criteria: GeneDx Variant Classification Process June 2021. Collection method: clinical testing. Allele origin: germline. Affected: yes.
Comment: Has not been previously published as pathogenic or benign to our knowledge; In silico analysis supports that this missense variant has a deleterious effect on protein structure/function; Does not affect a cysteine residue within a calcium-binding EGF-like domain of the FBN2 gene; cysteine substitutions in the calcium-binding EGF-like domains represent the majority of pathogenic missense changes associated with FBN2-related disorders (Collod-Beroud et al., 2003; Frederic et al., 2009).; Reported in ClinVar as a variant of uncertain significance (ClinVar Variant ID# 634470; Landrum et al., 2016)

Genomic Research Center, Shahid Beheshti University of Medical Sciences
Classification: Uncertain significance for Congenital contractural arachnodactyly. Last evaluated: 2019-01-01. Review status: criteria provided, single submitter. Criteria: ACMG Guidelines, 2015. Collection method: clinical testing. Allele origin: unknown. Affected: yes. Observed: 1 variant allele.

Genomic Research Center, Shahid Beheshti University of Medical Sciences
Classification: Uncertain significance for Macular degeneration, early-onset. Last evaluated: 2019-01-01. Review status: criteria provided, single submitter. Criteria: ACMG Guidelines, 2015. Collection method: clinical testing. Allele origin: unknown. Affected: yes. Observed: 1 variant allele.